The following is an entry in ClinVar:

NM_002971.6(SATB1):c.1246A>G (p.Lys416Glu)

Gene: SATB1 (SATB homeobox 1; minus strand). Cytogenetic location: 3p24.3.
Variant type: single nucleotide variant.
Coding change: c.1246A>G on transcript NM_002971.6 (MANE Select); coding-DNA position 1246, A replaced by G.
Protein change: p.Lys416Glu; replaces lysine 416 with glutamic acid.
Molecular consequence: missense variant.
Genome position (GRCh38, 1-based): chr3:18,386,572, T>C on the plus strand (A>G on the coding strand, the complement: SATB1 is on the minus strand). VCF-style: chr3-18386572-T-C. GRCh37 (hg19) VCF-style: chr3-18428064-T-C.
Other names: c.1246A>G, p.Lys416Glu (NM_001131010.4, NM_001195470.3, NM_001322871.2 and 4 more transcripts); c.1030A>G, p.Lys344Glu (NM_001322876.2); short protein forms K344E, K416E.
Identifiers: ClinVar variation 3252991 (VCV003252991.1), dbSNP rs2470593025.

ClinVar aggregate classification (germline): Uncertain significance (1 of 4 stars; one submission).

Submission:

GeneDx
Classification: Uncertain significance. Last evaluated: 2023-12-09. Review status: criteria provided, single submitter. Criteria: GeneDx Variant Classification Process June 2021. Collection method: clinical testing. Allele origin: germline. Affected: yes.
Comment: Has not been previously published as pathogenic or benign to our knowledge; Not observed at significant frequency in large population cohorts (gnomAD); In silico analysis supports that this missense variant does not alter protein structure/function